The following is an entry in ClinVar:

ClinVar aggregate classification (germline): Uncertain significance (1 of 4 stars; one submission).

Conditions:
Gorlin syndrome. Also called: Nevoid Basal Cell Carcinoma Syndrome; Basal cell nevus syndrome. Identifiers: Orphanet 377, MedGen C0004779, MONDO:0007187.

Allele frequency attached by ClinVar (database versions not stated): gnomAD exomes below 0.00001; TOPMed below 0.00001.
gnomAD v4.1: 3 of 1,613,954 alleles (0.00019%); highest among the groups gnomAD compares: Non-Finnish European, 0.00025%; no homozygotes.

Submission:

Labcorp Genetics (formerly Invitae), Labcorp
Classification: Uncertain significance for Gorlin syndrome. Last evaluated: 2019-01-06. Review status: criteria provided, single submitter. Criteria: Invitae Variant Classification Sherloc (09022015). Collection method: clinical testing. Allele origin: germline.
Comment: This variant has not been reported in the literature in individuals with PTCH2-related conditions. In summary, the available evidence is currently insufficient to determine the role of this variant in disease. Therefore, it has been classified as a Variant of Uncertain Significance. Algorithms developed to predict the effect of missense changes on protein structure and function output the following: SIFT: "Tolerated"; PolyPhen-2: "Benign"; Align-GVGD: "Class C0". The proline amino acid residue is found in multiple mammalian species, suggesting that this missense change does not adversely affect protein function. These predictions have not been confirmed by published functional studies and their clinical significance is uncertain. This variant is not present in population databases (ExAC no frequency). This sequence change replaces leucine with proline at codon 1131 of the PTCH2 protein (p.Leu1131Pro). The leucine residue is weakly conserved and there is a moderate physicochemical difference between leucine and proline.

NM_003738.5(PTCH2):c.3392T>C (p.Leu1131Pro)

Gene: PTCH2 (patched 2; minus strand). Cytogenetic location: 1p34.1.
Variant type: single nucleotide variant.
Coding change: c.3392T>C on transcript NM_003738.5 (MANE Select); coding-DNA position 3392, T replaced by C.
Protein change: p.Leu1131Pro; replaces leucine 1131 with proline.
Molecular consequence: missense variant.
Genome position (GRCh38, 1-based): chr1:44,822,635, A>G on the plus strand (T>C on the coding strand, the complement: PTCH2 is on the minus strand). VCF-style: chr1-44822635-A-G. GRCh37 (hg19) VCF-style: chr1-45288307-A-G.
Other names: c.3392T>C, p.Leu1131Pro (NM_001166292.2); short protein forms L1131P.
Identifiers: ClinVar variation 839545 (VCV000839545.10), dbSNP rs1463079757, ClinGen allele CA340105701.